The following is an entry in ClinVar:

ClinVar aggregate classification (germline): Uncertain significance. Review status: criteria provided, multiple submitters, no conflicts (2 of 4 stars). 2 submissions from 2 submitters: Uncertain significance (2). Last evaluated 2022-03-09.

Conditions:
Severe combined immunodeficiency due to DNA-PKcs deficiency. Also called: IMMUNODEFICIENCY 26 WITH NEUROLOGIC ABNORMALITIES; Immunodeficiency 26 with or without neurologic abnormalities. Identifiers: Orphanet 317425, MedGen C4014833, MONDO:0014423, OMIM 615966.

Allele frequency attached by ClinVar (database versions not stated): gnomAD 0.00001.
gnomAD v4.1: 1 of 1,534,188 alleles (0.000065%); highest among the groups gnomAD compares: Non-Finnish European, 0.000087%; no homozygotes.

Submissions (2):

Ambry Genetics
Classification: Uncertain significance. Last evaluated: 2022-03-09. Review status: criteria provided, single submitter. Criteria: Ambry Variant Classification Scheme 2023. Collection method: clinical testing. Allele origin: germline.
Comment: The p.E41Q variant (also known as c.121G>C), located in coding exon 1 of the PRKDC gene, results from a G to C substitution at nucleotide position 121. The glutamic acid at codon 41 is replaced by glutamine, an amino acid with highly similar properties. This amino acid position is conserved. In addition, this alteration is predicted to be tolerated by in silico analysis. Since supporting evidence is limited at this time, the clinical significance of this alteration remains unclear.

Labcorp Genetics (formerly Invitae), Labcorp
Classification: Uncertain significance for Severe combined immunodeficiency due to DNA-PKcs deficiency. Last evaluated: 2020-02-22. Review status: criteria provided, single submitter. Criteria: Invitae Variant Classification Sherloc (09022015). Collection method: clinical testing. Allele origin: germline.
Comment: In summary, the available evidence is currently insufficient to determine the role of this variant in disease. Therefore, it has been classified as a Variant of Uncertain Significance. Algorithms developed to predict the effect of missense changes on protein structure and function (SIFT, PolyPhen-2, Align-GVGD) all suggest that this variant is likely to be tolerated, but these predictions have not been confirmed by published functional studies and their clinical significance is uncertain. This variant has not been reported in the literature in individuals with PRKDC-related conditions. The frequency data for this variant in the population databases is considered unreliable, as metrics indicate insufficient coverage at this position in the ExAC database. This sequence change replaces glutamic acid with glutamine at codon 41 of the PRKDC protein (p.Glu41Gln). The glutamic acid residue is moderately conserved and there is a small physicochemical difference between glutamic acid and glutamine.

NM_006904.7(PRKDC):c.121G>C (p.Glu41Gln)

Genes: PRKDC (protein kinase, DNA-activated, catalytic subunit; minus strand), LOC129929030 (ATAC-STARR-seq lymphoblastoid silent region 19177; plus strand). Cytogenetic location: 8q11.21.
Variant type: single nucleotide variant.
Coding change: c.121G>C on transcript NM_006904.7 (MANE Select); coding-DNA position 121, G replaced by C.
Protein change: p.Glu41Gln; replaces glutamic acid 41 with glutamine.
Molecular consequence: missense variant.
Genome position (GRCh38, 1-based): chr8:47,960,006, C>G on the plus strand (G>C on the coding strand, the complement: PRKDC is on the minus strand). VCF-style: chr8-47960006-C-G. GRCh37 (hg19) VCF-style: chr8-48872566-C-G.
Other names: c.121G>C, p.Glu41Gln (NM_001081640.2); short protein forms E41Q.
Identifiers: ClinVar variation 862128 (VCV000862128.10), dbSNP rs2090786066, ClinGen allele CA371142708.